The following is an entry in ClinVar:

ClinVar aggregate classification (germline): Uncertain significance (1 of 4 stars; one submission).

Submission:

GeneDx
Classification: Uncertain significance. Last evaluated: 2022-01-13. Review status: criteria provided, single submitter. Criteria: GeneDx Variant Classification Process June 2021. Collection method: clinical testing. Allele origin: germline. Affected: yes.
Comment: Has not been previously published as pathogenic or benign to our knowledge; Not observed at significant frequency in large population cohorts (gnomAD); In silico analysis supports that this missense variant has a deleterious effect on protein structure/function

NM_000159.4(GCDH):c.919T>C (p.Phe307Leu)

Gene: GCDH (glutaryl-CoA dehydrogenase; plus strand). Cytogenetic location: 19p13.13.
Variant type: single nucleotide variant.
Coding change: c.919T>C on transcript NM_000159.4 (MANE Select); coding-DNA position 919, T replaced by C.
Protein change: p.Phe307Leu; replaces phenylalanine 307 with leucine.
Molecular consequence: missense variant. On other transcripts: non-coding transcript variant (2).
Genome position (GRCh38, 1-based): chr19:12,896,976, T>C. VCF-style: chr19-12896976-T-C. GRCh37 (hg19) VCF-style: chr19-13007790-T-C.
Other names: c.919T>C, p.Phe307Leu (NM_013976.5); short protein forms F307L.
Identifiers: ClinVar variation 3342361 (VCV003342361.1).